The following is an entry in ClinVar:

NM_001510.4(GRID2):c.1817A>G (p.Tyr606Cys)

Gene: GRID2 (glutamate ionotropic receptor delta type subunit 2; plus strand). Cytogenetic location: 4q22.2.
Variant type: single nucleotide variant.
Coding change: c.1817A>G on transcript NM_001510.4 (MANE Select); coding-DNA position 1817, A replaced by G.
Protein change: p.Tyr606Cys; replaces tyrosine 606 with cysteine.
Molecular consequence: missense variant.
Genome position (GRCh38, 1-based): chr4:93,455,933, A>G. VCF-style: chr4-93455933-A-G. GRCh37 (hg19) VCF-style: chr4-94377084-A-G.
Other names: c.1532A>G, p.Tyr511Cys (NM_001286838.1); c.1817A>G, p.Tyr606Cys (NM_001440459.1); short protein forms Y511C, Y606C.
Identifiers: ClinVar variation 4742692 (VCV004742692.1).
Genomic context (GRCh38, chr4:93,455,933, plus strand): 5'-TCTTGAACTGGCTTAATCCCCCACGATTACAAATGGGATCAATGACGTCTACTACTCTCT[A>G]CAACTCCATGTGGTTTGTGTATGGATCTTTTGTACAACAAGGTAAGGAGCAAAAGTACAT-3'
Protein context (NP_001501.2, residues 596-616): QMGSMTSTTL[Tyr606Cys]NSMWFVYGSF

ClinVar aggregate classification (germline): Uncertain significance (1 of 4 stars; one submission).

gnomAD v4.1: 11 of 1,610,994 alleles (0.00068%); highest among the groups gnomAD compares: Admixed American, 0.018%; no homozygotes.

Submission:

Labcorp Genetics (formerly Invitae), Labcorp
Classification: Uncertain significance. Last evaluated: 2025-05-04. Review status: criteria provided, single submitter. Criteria: Invitae Variant Classification Sherloc (09022015). Collection method: clinical testing. Allele origin: germline.
Comment: This sequence change replaces tyrosine, which is neutral and polar, with cysteine, which is neutral and slightly polar, at codon 606 of the GRID2 protein (p.Tyr606Cys). This variant is present in population databases (rs777890523, gnomAD 0.02%). This variant has not been reported in the literature in individuals affected with GRID2-related conditions. Invitae Evidence Modeling of protein sequence and biophysical properties (such as structural, functional, and spatial information, amino acid conservation, physicochemical variation, residue mobility, and thermodynamic stability) indicates that this missense variant is not expected to disrupt GRID2 protein function with a negative predictive value of 80%. In summary, the available evidence is currently insufficient to determine the role of this variant in disease. Therefore, it has been classified as a Variant of Uncertain Significance.